The following is an entry in ClinVar:

ClinVar aggregate classification (germline): Uncertain significance (1 of 4 stars; one submission).

Conditions:
GNAS-related disorder. Identifiers: MedGen CN380105.

Submission:

PreventionGenetics, part of Exact Sciences
Classification: Uncertain significance for GNAS-related condition. Last evaluated: 2025-07-15. Review status: criteria provided, single submitter. Criteria: ACMG Guidelines, 2015. Collection method: clinical testing. Allele origin: germline.
Comment: The GNAS c.1150_1176del27 variant is predicted to result in an in-frame deletion (p.Gly384_Ala392del). To our knowledge, this variant has not been reported in the literature. This variant is reported in 0.011% of alleles in individuals of African descent in gnomAD. At this time, the clinical significance of this variant is uncertain due to the absence of conclusive functional and genetic evidence.

NM_080425.4(GNAS):c.1150_1176del (p.Gly384_Ala392del)

Gene: GNAS (GNAS complex locus; plus strand). Cytogenetic location: 20q13.32.
Variant type: Deletion.
Coding change: c.1150_1176del on transcript NM_080425.4 (MANE Plus Clinical); coding-DNA positions 1150 to 1176, 27 bases deleted (GGGGCAGCCTCAGCGGATACCGCTGCC).
Protein change: p.Gly384_Ala392del.
Molecular consequence: inframe deletion. On other transcripts: intron variant (3).
Genome position (GRCh38, 1-based): chr20:58,854,415-58,854,441, GGGGCAGCCTCAGCGGATACCGCTGCC deleted; deleting any 27 consecutive bases within chr20:58,854,412-58,854,441 gives the same sequence; the c. name uses the placement nearest the transcript's 3' end. VCF-style (leftmost placement, unchanged base first): chr20-58854411-CGCCGGGGCAGCCTCAGCGGATACCGCT-C. GRCh37 (hg19) VCF-style: chr20-57429466-CGCCGGGGCAGCCTCAGCGGATACCGCT-C.
Other names: c.963_989del, p.Gln325_Pro333del (NM_001077490.3, NM_001309883.1); c.1150_1176del, p.Gly384_Ala392del (NM_001410913.1); c.*42+13529_*42+13555del (NM_016592.5); c.43+13529_43+13555del (NM_001410912.1); c.-39+12540_-39+12566del (NM_001309861.2).
Identifiers: ClinVar variation 5000219 (VCV005000219.1).